The following is an entry in ClinVar:

ClinVar aggregate classification (germline): Uncertain significance. Review status: criteria provided, multiple submitters, no conflicts (2 of 4 stars). 5 submissions from 5 submitters: Uncertain significance (5). Last evaluated 2025-11-20.

Conditions:
Cardiomyopathy (CMYO). Also called: Cardiomyopathies. Identifiers: Orphanet 167848, MedGen C0878544, MONDO:0004994, HP:0001638. Inheritance: Various modes of inheritance.
Cardiovascular phenotype. Identifiers: MedGen CN230736.
Hypertrophic cardiomyopathy. Also called: HYPERTROPHIC MYOCARDIOPATHY. Identifiers: Orphanet 217569, MedGen C0007194, MeSH D002312, MONDO:0005045, HP:0001639.

Allele frequency attached by ClinVar (database versions not stated): gnomAD exomes below 0.00001 and 0.00001; TOPMed 0.00001.
gnomAD v4.1: 19 of 1,611,484 alleles (0.0012%); highest among the groups gnomAD compares: Non-Finnish European, 0.0013%; no homozygotes.

Submissions (5):

Ambry Genetics
Classification: Uncertain significance for Cardiovascular phenotype. Last evaluated: 2025-11-20. Review status: criteria provided, single submitter. Criteria: Ambry Variant Classification Scheme 2023. Collection method: clinical testing. Allele origin: germline.

GeneDx
Classification: Uncertain significance. Last evaluated: 2025-05-08. Review status: criteria provided, single submitter. Criteria: GeneDx Variant Classification Process June 2021. Collection method: clinical testing. Allele origin: germline. Affected: yes.

Labcorp Genetics (formerly Invitae), Labcorp
Classification: Uncertain significance for Hypertrophic cardiomyopathy. Last evaluated: 2024-12-17. Review status: criteria provided, single submitter. Criteria: Invitae Variant Classification Sherloc (09022015). Collection method: clinical testing. Allele origin: germline.
Comment: This sequence change replaces asparagine, which is neutral and polar, with aspartic acid, which is acidic and polar, at codon 948 of the MYBPC3 protein (p.Asn948Asp). This variant is present in population databases (no rsID available, gnomAD 0.005%). This variant has not been reported in the literature in individuals affected with MYBPC3-related conditions. ClinVar contains an entry for this variant (Variation ID: 927988). An algorithm developed to predict the effect of missense changes on protein structure and function (PolyPhen-2) suggests that this variant is likely to be disruptive. In summary, the available evidence is currently insufficient to determine the role of this variant in disease. Therefore, it has been classified as a Variant of Uncertain Significance.

All of Us Research Program, National Institutes of Health
Classification: Uncertain significance for Hypertrophic cardiomyopathy. Last evaluated: 2024-04-16. Review status: criteria provided, single submitter. Criteria: ACMG Guidelines, 2015. Collection method: clinical testing. Allele origin: germline. Inheritance: Autosomal dominant inheritance. Observed: 2 variant alleles, 2 heterozygotes.
Comment: This missense variant replaces asparagine with aspartic acid at codon 948 of the MYBPC3 protein. Computational prediction is inconclusive regarding the impact of this variant on protein structure and function (internally defined REVEL score threshold 0.5 < inconclusive < 0.7, PMID: 27666373). To our knowledge, functional studies have not been reported for this variant. This variant has not been reported in individuals affected with MYBPC3-related disorders in the literature. This variant has been identified in 1/245908 chromosomes in the general population by the Genome Aggregation Database (gnomAD). The available evidence is insufficient to determine the role of this variant in disease conclusively. Therefore, this variant is classified as a Variant of Uncertain Significance.

This study involves interpretation of variants in research participants for the purpose of population health screening. Participant phenotype was not available at the time of variant classification. Additional details can be found in publication PMID: 35346344, PMCID: PMC8962531

Color Diagnostics, LLC DBA Color Health
Classification: Uncertain significance for Cardiomyopathy. Last evaluated: 2024-03-06. Review status: criteria provided, single submitter. Criteria: ACMG Guidelines, 2015. Collection method: clinical testing. Allele origin: germline.
Comment: This missense variant replaces asparagine with aspartic acid at codon 948 of the MYBPC3 protein. Computational prediction is inconclusive regarding the impact of this variant on protein structure and function (internally defined REVEL score threshold 0.5 < inconclusive < 0.7, PMID: 27666373). To our knowledge, functional studies have not been reported for this variant. This variant has not been reported in individuals affected with MYBPC3-related disorders in the literature. This variant has been identified in 1/245908 chromosomes in the general population by the Genome Aggregation Database (gnomAD). The available evidence is insufficient to determine the role of this variant in disease conclusively. Therefore, this variant is classified as a Variant of Uncertain Significance.

NM_000256.3(MYBPC3):c.2842A>G (p.Asn948Asp)

Gene: MYBPC3 (myosin binding protein C3; minus strand). Cytogenetic location: 11p11.2.
Variant type: single nucleotide variant.
Coding change: c.2842A>G on transcript NM_000256.3 (MANE Select); coding-DNA position 2842, A replaced by G.
Protein change: p.Asn948Asp; replaces asparagine 948 with aspartic acid.
Molecular consequence: missense variant.
Genome position (GRCh38, 1-based): chr11:47,335,105, T>C on the plus strand (A>G on the coding strand, the complement: MYBPC3 is on the minus strand). VCF-style: chr11-47335105-T-C. GRCh37 (hg19) VCF-style: chr11-47356656-T-C.
Other names: short protein forms N948D.
Identifiers: ClinVar variation 927988 (VCV000927988.11), dbSNP rs1156895803, ClinGen allele CA380316309.
Genomic context (GRCh38, chr11:47,335,105, plus strand): 5'-GGATCTCCTGCACTGTCACCGGCTCCGTGGTGGTAACAGGGGCTCCAGGCCCTGCCATAT[T>C]GTGTGCCCGCACTCGGAAAAGCAGCCGGGCCCCCGTGGGCAGGTCCTTCACCAGTATCGA-3'
Protein context (NP_000247.2, residues 938-958): ARLLFRVRAH[Asn948Asp]MAGPGAPVTT